The following is an entry in ClinVar:

NM_006005.3(WFS1):c.511G>A (p.Asp171Asn)

Gene: WFS1 (wolframin ER transmembrane glycoprotein; plus strand). Cytogenetic location: 4p16.1.
Variant type: single nucleotide variant.
Coding change: c.511G>A on transcript NM_006005.3 (MANE Select); coding-DNA position 511, G replaced by A.
Protein change: p.Asp171Asn; replaces aspartic acid 171 with asparagine.
Molecular consequence: missense variant.
Genome position (GRCh38, 1-based): chr4:6,291,247, G>A. VCF-style: chr4-6291247-G-A. GRCh37 (hg19) VCF-style: chr4-6292974-G-A.
Other names: p.Asp171Asn; c.511G>A, p.Asp171Asn (NM_001145853.1); short protein forms D171N.
Identifiers: ClinVar variation 1330801 (VCV001330801.21), dbSNP rs758281375, ClinGen allele CA2838924.
Genomic context (GRCh38, chr4:6,291,247, plus strand): 5'-TATCCCTCAGGCATCACGTCCGAGAACGAACGGGAGGTGAGGCAGCTCTCCTCCGAGACC[G>A]ACCTGGAGAGGGCCGTGCGCAAGGCAGCCCTGGTCATGTACTGGAAGCTCAACCCCAAGA-3'
Protein context (NP_005996.2, residues 161-181): REVRQLSSET[Asp171Asn]LERAVRKAAL

ClinVar aggregate classification (germline): Conflicting classifications of pathogenicity. Review status: criteria provided, conflicting classifications (1 of 4 stars). 6 submissions from 6 submitters: Uncertain significance (5); Likely benign (1). Last evaluated 2026-07-22.

Conditions:
WFS1-related disorder. Identifiers: MedGen CN379391, MONDO:0700293.

Allele frequency attached by ClinVar (database versions not stated): TOPMed 0.00008; gnomAD 0.00009.

Submissions (6):

PreventionGenetics, part of Exact Sciences
Classification: Uncertain significance for WFS1-related condition. Last evaluated: 2026-07-22. Review status: criteria provided, single submitter. Criteria: ACMG Guidelines, 2015. Collection method: clinical testing. Allele origin: germline.
Comment: The WFS1 c.511G>A variant is predicted to result in the amino acid substitution p.Asp171Asn. This variant was reported in an individual with non-syndromic low-frequency Sensorineural hearing loss (Gonçalves et al. 2014. PubMed ID: 24462758). However in study of Wolfram syndrome patients, this variant was reported only a control group not it the patients group (Kotovuori et al. 2023. PubMed ID: 23595122). This variant is reported in 0.040% of alleles in individuals of European (Finnish) descent in gnomAD. At this time, the clinical significance of this variant is uncertain due to the absence of conclusive functional and genetic evidence.

Labcorp Genetics (formerly Invitae), Labcorp
Classification: Likely benign. Last evaluated: 2025-10-24. Review status: criteria provided, single submitter. Criteria: Invitae Variant Classification Sherloc (09022015). Collection method: clinical testing. Allele origin: germline.

GeneDx
Classification: Uncertain significance. Last evaluated: 2025-08-26. Review status: criteria provided, single submitter. Criteria: GeneDx Variant Classification Process June 2021. Collection method: clinical testing. Allele origin: germline.
Comment: In silico analysis suggests that this missense variant does not alter protein structure/function; This variant is associated with the following publications: (PMID: 24462758)

ARUP Laboratories, Molecular Genetics and Genomics, ARUP Laboratories
Classification: Uncertain significance. Last evaluated: 2025-03-05. Review status: criteria provided, single submitter. Criteria: ARUP Molecular Germline Variant Investigation Process 2024. Collection method: clinical testing. Allele origin: germline.
Comment: The WFS1 c.511G>A; p.Asp171Asn variant (rs758281375, ClinVar Variation ID: 1330801) is reported in the literature in an individual affected with sensorineural hearing loss (Goncalves 2014) but was also exclusively found in healthy controls in a different study (Kytovuori 2013). This variant is found in the general population with an overall allele frequency of 0.009% (26/281,974 alleles) in the Genome Aggregation Database (v2.1.1). Computational analyses are uncertain whether this variant is neutral or deleterious (REVEL: 0.698). Due to limited information, the clinical significance of the p.Asp171Asn variant is uncertain at this time. References: Goncalves AC, et al. WFS1 and non-syndromic low-frequency sensorineural hearing loss: a novel mutation in a Portuguese case. Gene. 2014 Apr 1;538(2):288-91. PMID: 24462758. Kytovuori L, et al. WFS1 variants in Finnish patients with diabetes mellitus, sensorineural hearing impairment or optic atrophy, and in suicide victims. J Hum Genet. 2013 Aug;58(8):495-500. PMID: 23595122.

Mayo Clinic Laboratories, Mayo Clinic
Classification: Uncertain significance. Last evaluated: 2025-01-22. Review status: criteria provided, single submitter. Criteria: ACMG Guidelines, 2015. Collection method: clinical testing. Allele origin: germline. Observed: 1 variant allele.

Blueprint Genetics
Classification: Uncertain significance. Last evaluated: 2023-12-19. Review status: criteria provided, single submitter. Criteria: ACMG Guidelines, 2015. Collection method: clinical testing. Allele origin: germline.

Literature cited by the submitters: PubMed 24462758 (cited by Mayo Clinic Laboratories, Mayo Clinic).